The following is an entry in ClinVar:

NM_001122752.2(SERPINI1):c.867A>G (p.Glu289=)

Gene: SERPINI1 (serpin family I member 1; plus strand). Cytogenetic location: 3q26.1.
Variant type: single nucleotide variant.
Coding change: c.867A>G on transcript NM_001122752.2 (MANE Select); coding-DNA position 867, A replaced by G.
Protein change: p.Glu289=; no amino-acid change (glutamic acid 289 retained).
Molecular consequence: synonymous variant.
Genome position (GRCh38, 1-based): chr3:167,794,810, A>G. VCF-style: chr3-167794810-A-G. GRCh37 (hg19) VCF-style: chr3-167512598-A-G.
Other names: c.867A>G, p.Glu289= (NM_005025.5).
Identifiers: ClinVar variation 2831201 (VCV002831201.3), dbSNP rs2476236082, ClinGen allele CA436847238.

ClinVar aggregate classification (germline): Uncertain significance (1 of 4 stars; one submission).

Conditions:
Familial encephalopathy with neuroserpin inclusion bodies. Also called: ENCEPHALOPATHY, FAMILIAL, WITH COLLINS BODIES. Identifiers: Orphanet 85110, MedGen C1858680, MONDO:0011412, OMIM 604218.

Submission:

Labcorp Genetics (formerly Invitae), Labcorp
Classification: Uncertain significance for Familial encephalopathy with neuroserpin inclusion bodies. Last evaluated: 2023-03-10. Review status: criteria provided, single submitter. Criteria: Invitae Variant Classification Sherloc (09022015). Collection method: clinical testing. Allele origin: germline.
Comment: In summary, the available evidence is currently insufficient to determine the role of this variant in disease. Therefore, it has been classified as a Variant of Uncertain Significance. This sequence change affects codon 289 of the SERPINI1 mRNA. It is a 'silent' change, meaning that it does not change the encoded amino acid sequence of the SERPINI1 protein. This variant is not present in population databases (gnomAD no frequency). This variant has not been reported in the literature in individuals affected with SERPINI1-related conditions. Algorithms developed to predict the effect of sequence changes on RNA splicing suggest that this variant may create or strengthen a splice site.